The following is an entry in ClinVar:

NM_205861.3(DHDDS):c.542+8G>A

Gene: DHDDS (dehydrodolichyl diphosphate synthase subunit; plus strand). Cytogenetic location: 1p36.11.
Variant type: single nucleotide variant.
Coding change: c.542+8G>A on transcript NM_205861.3 (MANE Select); 8 bases into the intron after coding-DNA position 542, G replaced by A.
Molecular consequence: intron variant.
Genome position (GRCh38, 1-based): chr1:26,447,668, G>A. VCF-style: chr1-26447668-G-A. GRCh37 (hg19) VCF-style: chr1-26774159-G-A.
Other names: c.263+8G>A (NM_001319959.2); c.542+8G>A (NM_024887.4); c.440+1236G>A (NM_001243564.2); c.425+8G>A (NM_001243565.2).
Identifiers: ClinVar variation 499755 (VCV000499755.19), dbSNP rs149948788, ClinGen allele CA705365.

ClinVar aggregate classification (germline): Benign/Likely benign. Review status: criteria provided, multiple submitters, no conflicts (2 of 4 stars). 5 submissions from 5 submitters: Benign (3); Likely benign (1). 1 of the submissions does not count toward it. Last evaluated 2026-01-28.

Conditions:
DHDDS-related disorder. Also called: DHDDS-related condition.
Retinitis pigmentosa 59 (RP59). Identifiers: Orphanet 791, MedGen C3151227, MONDO:0013468, OMIM 613861.

Allele frequency attached by ClinVar (database versions not stated): gnomAD exomes 0.00025 and 0.00060; ExAC 0.00074; 1000 Genomes Project 30x 0.00250; 1000 Genomes Project 0.00260; TOPMed 0.00274; ESP Exome Variant Server 0.00308.

Submissions (5):

Labcorp Genetics (formerly Invitae), Labcorp
Classification: Benign for Retinitis pigmentosa 59. Last evaluated: 2026-01-28. Review status: criteria provided, single submitter. Criteria: Invitae Variant Classification Sherloc (09022015). Collection method: clinical testing. Allele origin: germline.

Blueprint Genetics
Classification: Likely benign. Last evaluated: 2024-10-21. Review status: criteria provided, single submitter. Criteria: ACMG Guidelines, 2015. Collection method: clinical testing. Allele origin: germline.

Eurofins Ntd Llc (ga)
Classification: Benign. Last evaluated: 2017-01-26. Review status: criteria provided, single submitter. Criteria: EGL Classification Definitions 2015. Collection method: clinical testing. Allele origin: germline. Observed: 1 variant allele, 1 heterozygote.

Breakthrough Genomics
Classification: Benign. Review status: criteria provided, single submitter. Criteria: ACMG Guidelines, 2015. Collection method: not provided. Allele origin: germline. Inheritance: Autosomal recessive inheritance. Affected: yes.

PreventionGenetics, part of Exact Sciences
Classification: Benign for DHDDS-related condition. Last evaluated: 2024-01-18. Review status: no assertion criteria provided. Collection method: clinical testing. Allele origin: germline. Not counted in ClinVar's aggregate classification.
Comment: This variant is classified as benign based on ACMG/AMP sequence variant interpretation guidelines (Richards et al. 2015 PMID: 25741868, with internal and published modifications).